The following is an entry in ClinVar:

NM_004004.6(GJB2):c.583A>G (p.Met195Val)

Gene: GJB2 (gap junction protein beta 2; minus strand). Cytogenetic location: 13q12.11.
Variant type: single nucleotide variant.
Coding change: c.583A>G on transcript NM_004004.6 (MANE Select); coding-DNA position 583, A replaced by G.
Protein change: p.Met195Val; replaces methionine 195 with valine.
Molecular consequence: missense variant.
Genome position (GRCh38, 1-based): chr13:20,188,999, T>C on the plus strand (A>G on the coding strand, the complement: GJB2 is on the minus strand). VCF-style: chr13-20188999-T-C. GRCh37 (hg19) VCF-style: chr13-20763138-T-C.
Other names: short protein forms M195V.
Identifiers: ClinVar variation 225375 (VCV000225375.27), dbSNP rs532203068, ClinGen allele CA6904233.

ClinVar aggregate classification (germline): Pathogenic. Review status: reviewed by expert panel (3 of 4 stars). 16 submissions from 16 submitters: Pathogenic (1). 15 of the submissions do not count toward it. Last evaluated 2024-05-15.

Conditions:
Autosomal recessive nonsyndromic hearing loss 1A (DFNB1A). Also called: Connexin 26 deafness; Deafness nonsyndromic, Connexin 26 linked; GJB6-Related DFNB 1 Nonsyndromic Hearing Loss and Deafness; Deafness, autosomal recessive 1A; GJB2-Related Autosomal Recessive Nonsyndromic Hearing Loss; Nonsyndromic Hearing Loss and Deafness, DFNB1. Identifiers: Orphanet 90636, MedGen C2673759, MONDO:0009076, OMIM 220290.
Mutilating keratoderma (VOWNKL). Also called: Keratoderma hereditarium mutilans. Identifiers: Orphanet 494, MedGen C0265964, MONDO:0007422, OMIM 124500.
Ichthyosis, hystrix-like, with hearing loss. Also called: Hystrix-like ichthyosis with deafness. Identifiers: Orphanet 477, MedGen C1865234, MONDO:0011245.
X-linked mixed hearing loss with perilymphatic gusher. Also called: PERILYMPHATIC GUSHER-DEAFNESS SYNDROME; SENSORINEURAL DEAFNESS, PROFOUND, WITH OR WITHOUT A CONDUCTIVE COMPONENT, ASSOCIATED WITH A UNIQUE DEVELOPMENTAL ABNORMALITY OF THE EAR; Deafness, X-linked 2; Gusher syndrome; NANCE DEAFNESS. Identifiers: Orphanet 383, MedGen C1844678, MONDO:0010576, OMIM 304400.
Autosomal dominant keratitis-ichthyosis-hearing loss syndrome. Also called: Senter syndrome; HID SYNDROME; KID SYNDROME, AUTOSOMAL DOMINANT. Identifiers: Orphanet 477, MedGen C0265336, MONDO:0007850, OMIM 148210.
Palmoplantar keratoderma-deafness syndrome. Also called: Keratoderma palmoplantar, with deafness; Palmoplantar keratoderma and sensorineural deafness; Hereditary palmoplantar keratoderma with deafness (subtype); Focal palmoplantar keratoderma with sensorineural deafness (subtype); Diffuse palmoplantar keratoderma with deafness (subtype). Identifiers: Orphanet 2202, MedGen C1835672, MONDO:0007852, OMIM 148350.
Knuckle pads, deafness AND leukonychia syndrome. Also called: Bart-Pumphrey syndrome. Identifiers: Orphanet 2698, MedGen C0266004, MONDO:0007866, OMIM 149200.
Autosomal dominant nonsyndromic hearing loss 3A. Identifiers: Orphanet 90635, MedGen C2675750, MONDO:0011103, OMIM 601544.
GJB2-related disorder. Also called: GJB2-related condition; GJB2-related disorders. Identifiers: MedGen CN382183, MONDO:1060236.
Nonsyndromic genetic hearing loss. Also called: Nonsyndromic hearing loss and deafness; Non-syndromic genetic deafness; Nonsyndromic genetic deafness. Identifiers: Orphanet 87884, MedGen C5680182, MONDO:0019497.

Allele frequency attached by ClinVar (database versions not stated): TOPMed 0.00001; gnomAD 0.00002 and 0.00001; gnomAD exomes 0.00003; ExAC 0.00003.

Submissions 1 to 5 of 16:

ClinGen Hearing Loss Variant Curation Expert Panel
Classification: Pathogenic for Nonsyndromic genetic hearing loss. Last evaluated: 2024-05-15. Review status: reviewed by expert panel. Criteria: Clingen Hl Acmg Specifications Cdh23 Coch Gjb2 Kcnq4 Myo6 Myo7a Slc26a4 Tecta Ush2a V2. Collection method: curation. Allele origin: germline. Inheritance: Autosomal recessive inheritance.
Comment: The c.583G>C is a missense variant predicted to cause a substitution of methionine by valine at amino acid 195 (p.Met195Val). The highest population minor allele frequency in gnomAD v4.1.0 is 0.022% (16/44880, CI 95%) in the East Asian population (PM2_Supporting, BS1, and BA1 are not met). This variant has been detected in 4 individuals with hearing loss with another pathogenic or suspected-pathogenic variant found in trans (4 PM3 points PMIDs: 24013081, 20497192, 30146550,33597575) (PM3_VeryStrong). It has also been identified in several probands with hearing loss in whom a second variant was not identified (PMIDs: 23555729, 19366456, 19125024, 27627659, 24507663). The computational predictor REVEL gives a score of 0.962 which is above the threshold of 0.7, evidence that correlates with impact to GJB2 function (PP3). Analysis in Hela cells demonstrated that the CX26-p.Met195Val protein was not transported to the cell membrane since there is an accumulation of the protein in the endoplasmic reticulum, indicating that this variant impacts protein function (PMID:26749107; PS3_Moderate). In summary, this variant meets the criteria to be classified as pathogenic for autosomal recessive non-syndromic hearing loss based on the ACMG/AMP criteria applied, as specified by the ClinGen Hearing Loss VCEP (PP3, PM3_VeryStrong, PS3_Moderate; Version 2; 5/15/24).

Natera, Inc.
Classification: Pathogenic for Autosomal recessive deafness type 1A. Last evaluated: 2025-08-21. Review status: criteria provided, single submitter. Criteria: Natera Variant Classification Schema (03/2026). Collection method: clinical testing. Allele origin: germline. Not counted in ClinVar's aggregate classification.
Comment: The c.583A>G variant in GJB2 is a missense variant predicted to cause substitution of methionine to valine at amino acid 195. This variant is rare in the general population with a frequency below the threshold expected for the associated phenotype(s). This variant has been observed in one or more individuals affected with the associated recessive disease, as either homozygous or compound heterozygous with a second variant (PMID: 33597575, 30146550). Computational prediction algorithms indicate this variant is likely to affect gene or protein function. Given the available evidence, this variant is classified as Pathogenic.

Women's Health and Genetics/Laboratory Corporation of America, LabCorp
Classification: Pathogenic for Nonsyndromic genetic hearing loss. Last evaluated: 2025-01-31. Review status: criteria provided, single submitter. Criteria: LabCorp Variant Classification Summary - May 2015. Collection method: clinical testing. Allele origin: germline. Not counted in ClinVar's aggregate classification.
Comment: Variant summary: GJB2 c.583A>G (p.Met195Val) results in a conservative amino acid change located in the Connexin domain (IPR013092) of the encoded protein sequence. Four of five in-silico tools predict a damaging effect of the variant on protein function. The variant allele was found at a frequency of 3.2e-05 in 251340 control chromosomes. c.583A>G has been reported in the literature in multiple individuals affected with Non-Syndromic AR (example, Tsukada_2010,Wang_2021,Minami_2013 ) and AD Hearing Loss (example, Yu_2020, Batissoco_2009). These data indicate that the variant is very likely to be associated with disease. At least one publication reports experimental evidence evaluating an impact on protein function. The most pronounced variant effect results in full retention in cytoplasm (Kim_2016). The following publications have been ascertained in the context of this evaluation (PMID: 19125024, 24013081, 20497192, 33597575, 31992338). ClinVar contains an entry for this variant (Variation ID: 225375). Based on the evidence outlined above, the variant was classified as pathogenic.

GeneDx
Classification: Pathogenic. Last evaluated: 2025-01-02. Review status: criteria provided, single submitter. Criteria: GeneDx Variant Classification Process June 2021. Collection method: clinical testing. Allele origin: germline. Affected: yes. Not counted in ClinVar's aggregate classification.
Comment: Observed in a kindred with hearing loss in published literature that also harbored a mitochondrial variant associated with hearing loss (PMID: 24507663); Published functional studies demonstrate a damaging effect on forming homotypic gap junctions (PMID: 26749107); In silico analysis supports that this missense variant has a deleterious effect on protein structure/function; Classified as likely pathogenic by the ClinGen Hearing Loss Variant Curation Expert Panel (SCV001428432.1; ClinVar); This variant is associated with the following publications: (PMID: 30146550, 30275481, 31992338, 25587757, 20497192, 34426522, 26990548, 36048236, 19125024, 19366456, 21366436, 23555729, Liu[CaseReport]2022, 33597575, Liu2022[CaseReport], 37106706, 24507663, 26749107)

Victorian Clinical Genetics Services, Murdoch Childrens Research Institute
Classification: Pathogenic for Autosomal recessive nonsyndromic hearing loss 1A. Last evaluated: 2024-10-07. Review status: criteria provided, single submitter. Criteria: ACMG Guidelines, 2015. Collection method: clinical testing. Allele origin: germline. Not counted in ClinVar's aggregate classification.
Comment: This variant is classified as Pathogenic. Evidence in support of pathogenic classification: Variant is present in gnomAD (v2) <0.01 (8 heterozygotes, 0 homozygotes); This variant has very strong previous evidence of pathogenicity in unrelated individuals. It has been classified as pathogenic by the ClinGen Expert Panel and is associated with autosomal recessive non-syndromic hearing loss (ClinVar); Missense variant consistently predicted to be damaging by multiple in silico tools and very highly conserved with a minor amino acid change. Additional information: Variant is predicted to result in a missense amino acid change from methionine to valine; This variant is heterozygous; This gene is associated with both recessive and dominant disease. The autosomal dominant diseases are commonly associated with pathogenic missense variants. The autosomal recessive disease is associated with biallelic loss-of-function variants and includes missense and protein truncating variants (NIH Genetics Home Reference, PMID: 12792423); Multiple alternative amino acid changes at the same position have been observed in gnomAD (v2) (highest allele count: 27 heterozygotes, 0 homozygotes); Variant is located in the annotated Connexin domain (DECIPHER); Loss of function is a known mechanism of disease in this gene and is associated with both deafness and skin conditions (OMIM). Dominant negative is also a suggested mechanism (PMID: 28428247); The condition associated with this gene has incomplete penetrance (PMID:31160754); Variants in this gene are known to have variable expressivity. Severity can range from mild to profound with intrafamilial variability also commonly seen. Commonly, truncating variants are associated to a more severe hearing loss (PMID: 20301449).